The following is an entry in ClinVar:

NM_001199107.2(TBC1D24):c.710A>G (p.Tyr237Cys)

Gene: TBC1D24 (TBC1 domain family member 24; plus strand). Cytogenetic location: 16p13.3.
Variant type: single nucleotide variant.
Coding change: c.710A>G on transcript NM_001199107.2 (MANE Select); coding-DNA position 710, A replaced by G.
Protein change: p.Tyr237Cys; replaces tyrosine 237 with cysteine.
Molecular consequence: missense variant.
Genome position (GRCh38, 1-based): chr16:2,496,858, A>G. VCF-style: chr16-2496858-A-G. GRCh37 (hg19) VCF-style: chr16-2546859-A-G.
Other names: c.710A>G, p.Tyr237Cys (NM_020705.3); c.710A>G (NM_001199107.1); short protein forms Y237C.
Identifiers: ClinVar variation 2926652 (VCV002926652.4), dbSNP rs1471955155, ClinGen allele CA394376995.
Genomic context (GRCh38, chr16:2,496,858, plus strand): 5'-TTGGGGAGCTGCCCCTCTGCTACTTCGCCCGGGTCTTTGACGTCTTCCTGGTGGAGGGCT[A>G]CAAGGTGCTGTACCGCGTGGCGCTGGCCATCCTCAAGTTCTTCCACAAGGTGAGGGCCGG-3'
Protein context (NP_001186036.1, residues 227-247): RVFDVFLVEG[Tyr237Cys]KVLYRVALAI

ClinVar aggregate classification (germline): Uncertain significance. Review status: criteria provided, multiple submitters, no conflicts (2 of 4 stars). 2 submissions from 2 submitters: Uncertain significance (2). Last evaluated 2025-01-18.

Conditions:
Inborn genetic diseases. Identifiers: MedGen C0950123, MeSH D030342.
Autosomal dominant nonsyndromic hearing loss 65. Also called: Deafness, autosomal dominant 65; TBC1D24-Related Autosomal Dominant Nonsyndromic Hearing Loss (DFNA). Identifiers: Orphanet 90635, MedGen C3892048, MONDO:0014470, OMIM 616044.
Developmental and epileptic encephalopathy, 1 (DEE1). Also called: INFANTILE SPASM SYNDROME, X-LINKED 1; X-linked infantile spasms; West's syndrome; Tonic spasms with clustering, arrest of psychomotor development and hypsarrhythmia on EEG; X-Linked Infantile Spasm Syndrome; OHTAHARA SYNDROME, X-LINKED. Identifiers: MedGen C3463992, MONDO:0010632, OMIM 308350. Disease mechanism: loss of function.

Allele frequency attached by ClinVar (database versions not stated): TOPMed below 0.00001; gnomAD 0.00001; gnomAD exomes 0.00001.
gnomAD v4.1: 11 of 1,613,968 alleles (0.00068%); highest among the groups gnomAD compares: Middle Eastern, 0.066%; no homozygotes.

Submissions (2):

Ambry Genetics
Classification: Uncertain significance for Inborn genetic diseases. Last evaluated: 2025-01-18. Review status: criteria provided, single submitter. Criteria: Ambry Variant Classification Scheme 2023. Collection method: clinical testing. Allele origin: germline.

Labcorp Genetics (formerly Invitae), Labcorp
Classification: Uncertain significance for Developmental and epileptic encephalopathy, 1; Autosomal dominant nonsyndromic hearing loss 65. Last evaluated: 2023-06-10. Review status: criteria provided, single submitter. Criteria: Invitae Variant Classification Sherloc (09022015). Collection method: clinical testing. Allele origin: germline.
Comment: This variant is present in population databases (no rsID available, gnomAD 0.003%). This sequence change replaces tyrosine, which is neutral and polar, with cysteine, which is neutral and slightly polar, at codon 237 of the TBC1D24 protein (p.Tyr237Cys). This variant has not been reported in the literature in individuals affected with TBC1D24-related conditions. In summary, the available evidence is currently insufficient to determine the role of this variant in disease. Therefore, it has been classified as a Variant of Uncertain Significance. Advanced modeling of protein sequence and biophysical properties (such as structural, functional, and spatial information, amino acid conservation, physicochemical variation, residue mobility, and thermodynamic stability) performed at Invitae indicates that this missense variant is not expected to disrupt TBC1D24 protein function.